The following is an entry in ClinVar:

NM_000256.3(MYBPC3):c.1119C>G (p.Tyr373Ter)

Gene: MYBPC3 (myosin binding protein C3; minus strand). Cytogenetic location: 11p11.2.
Variant type: single nucleotide variant.
Coding change: c.1119C>G on transcript NM_000256.3 (MANE Select); coding-DNA position 1119, C replaced by G.
Protein change: p.Tyr373Ter; replaces tyrosine 373 with a stop codon.
Molecular consequence: nonsense.
Genome position (GRCh38, 1-based): chr11:47,343,596, G>C on the plus strand (C>G on the coding strand, the complement: MYBPC3 is on the minus strand). VCF-style: chr11-47343596-G-C. GRCh37 (hg19) VCF-style: chr11-47365147-G-C.
Other names: short protein forms Y373*.
Identifiers: ClinVar variation 856666 (VCV000856666.7), dbSNP rs2095891411, ClinGen allele CA380329323.
Genomic context (GRCh38, chr11:47,343,596, plus strand): 5'-CTCAGCGTCATGGTCAGCCAGTTCCACGGTCAGCCGGATCTTGTGGCCTTTGCTCACCTG[G>C]TAGGCCGGCTCCAGCTTCTTCTGAAAGGCTGAGCACCACCCCTCAGCCCCGGCCACCCCA-3'

ClinVar aggregate classification (germline): Pathogenic (1 of 4 stars; one submission).

Conditions:
Hypertrophic cardiomyopathy. Also called: HYPERTROPHIC MYOCARDIOPATHY. Identifiers: Orphanet 217569, MedGen C0007194, MeSH D002312, MONDO:0005045, HP:0001639.

Submission:

Labcorp Genetics (formerly Invitae), Labcorp
Classification: Pathogenic for Hypertrophic cardiomyopathy. Last evaluated: 2025-07-30. Review status: criteria provided, single submitter. Criteria: Invitae Variant Classification Sherloc (09022015). Collection method: clinical testing. Allele origin: germline.
Comment: This sequence change creates a premature translational stop signal (p.Tyr373*) in the MYBPC3 gene. It is expected to result in an absent or disrupted protein product. Loss-of-function variants in MYBPC3 are known to be pathogenic (PMID: 19574547). This variant is not present in population databases (gnomAD no frequency). This variant has not been reported in the literature in individuals affected with MYBPC3-related conditions. ClinVar contains an entry for this variant (Variation ID: 856666). For these reasons, this variant has been classified as Pathogenic.

Literature cited by the submitters: PubMed 19574547.